The following is an entry in ClinVar:

NM_002878.4(RAD51D):c.474G>A (p.Glu158=)

Genes: RAD51L3-RFFL (RAD51L3-RFFL readthrough; minus strand), RAD51D (RAD51 paralog D; minus strand). Cytogenetic location: 17q12.
Variant type: single nucleotide variant.
Coding change: c.474G>A on transcript NM_002878.4 (MANE Select); coding-DNA position 474, G replaced by A.
Protein change: p.Glu158=; no amino-acid change (glutamic acid 158 retained).
Molecular consequence: synonymous variant. On other transcripts: non-coding transcript variant (1), intron variant (1).
Genome position (GRCh38, 1-based): chr17:35,106,994, C>T on the plus strand (G>A on the coding strand, the complement: RAD51D is on the minus strand). VCF-style: chr17-35106994-C-T. GRCh37 (hg19) VCF-style: chr17-33434013-C-T.
Other names: c.534G>A, p.Glu178= (NM_001142571.2); c.145-513G>A (NM_133629.3).
Identifiers: ClinVar variation 2448053 (VCV002448053.4), dbSNP rs1161017731, ClinGen allele CA499731667.
Genomic context (GRCh38, chr17:35,106,994, plus strand): 5'-TAATGGGGTTTTCCTGTGTCAGAATCTCAATGGAACCCAGCATCCTGCCCTTACCTGTTC[C>T]TCCTCATCCTGGGTTTTAGCCTGAAGCAGCTGGAGGAGGCGGGAAGCTGTCAGCCCTCCA-3'
Protein context (NP_002869.3, residues 148-168): QLLQAKTQDE[Glu158=]EQAEALRRIQ

ClinVar aggregate classification (germline): Benign/Likely benign. Review status: criteria provided, multiple submitters, no conflicts (2 of 4 stars). 3 submissions from 3 submitters: Benign (1); Likely benign (2). Last evaluated 2025-11-25.

Conditions:
Hereditary cancer-predisposing syndrome. Also called: Neoplastic Syndromes, Hereditary; Hereditary Cancer Syndrome; Tumor predisposition; Hereditary neoplastic syndrome. Identifiers: Orphanet 140162, MedGen C0027672, MeSH D009386, MONDO:0015356.
Breast-ovarian cancer, familial, susceptibility to, 4. Identifiers: Orphanet 145, MedGen C3280345, MONDO:0013669, OMIM 614291.

Submissions (3):

Labcorp Genetics (formerly Invitae), Labcorp
Classification: Likely benign for Breast-ovarian cancer, familial, susceptibility to, 4. Last evaluated: 2025-11-25. Review status: criteria provided, single submitter. Criteria: Invitae Variant Classification Sherloc (09022015). Collection method: clinical testing. Allele origin: germline.

Myriad Genetics, Inc.
Classification: Benign for Breast-ovarian cancer, familial, susceptibility to, 4. Last evaluated: 2025-02-21. Review status: criteria provided, single submitter. Criteria: Myriad Autosomal Dominant, Autosomal Recessive and X-Linked Classification Criteria (2023). Collection method: clinical testing. Allele origin: unknown.
Comment: This variant is considered benign. This variant is a silent/synonymous amino acid change and it is not expected to impact splicing.

Ambry Genetics
Classification: Likely benign for Hereditary cancer-predisposing syndrome. Last evaluated: 2023-01-25. Review status: criteria provided, single submitter. Criteria: Ambry Variant Classification Scheme 2023. Collection method: clinical testing. Allele origin: germline.